The following is an entry in ClinVar:

ClinVar aggregate classification (germline): Uncertain significance (1 of 4 stars; one submission).

Allele frequency attached by ClinVar (database versions not stated): gnomAD exomes below 0.00001.
gnomAD v4.1: 1 of 1,612,974 alleles (0.000062%); highest among the groups gnomAD compares: Non-Finnish European, 0.000085%; no homozygotes.

Submission:

Labcorp Genetics (formerly Invitae), Labcorp
Classification: Uncertain significance. Last evaluated: 2022-11-04. Review status: criteria provided, single submitter. Criteria: Invitae Variant Classification Sherloc (09022015). Collection method: clinical testing. Allele origin: germline.
Comment: In summary, the available evidence is currently insufficient to determine the role of this variant in disease. Therefore, it has been classified as a Variant of Uncertain Significance. Advanced modeling of protein sequence and biophysical properties (such as structural, functional, and spatial information, amino acid conservation, physicochemical variation, residue mobility, and thermodynamic stability) performed at Invitae indicates that this missense variant is expected to disrupt CFB protein function. This variant has not been reported in the literature in individuals affected with CFB-related conditions. This variant is not present in population databases (gnomAD no frequency). This sequence change replaces aspartic acid, which is acidic and polar, with histidine, which is basic and polar, at codon 389 of the CFB protein (p.Asp389His).

NM_001710.6(CFB):c.1165G>C (p.Asp389His)

Gene: CFB (complement factor B; plus strand). Cytogenetic location: 6p21.33.
Variant type: single nucleotide variant.
Coding change: c.1165G>C on transcript NM_001710.6 (MANE Select); coding-DNA position 1165, G replaced by C.
Protein change: p.Asp389His; replaces aspartic acid 389 with histidine.
Molecular consequence: missense variant.
Genome position (GRCh38, 1-based): chr6:31,948,958, G>C. VCF-style: chr6-31948958-G-C. GRCh37 (hg19) VCF-style: chr6-31916735-G-C.
Other names: short protein forms D389H.
Identifiers: ClinVar variation 2812006 (VCV002812006.3), dbSNP rs2482692207, ClinGen allele CA363400999.
Genomic context (GRCh38, chr6:31,948,958, plus strand): 5'-CCAGATGACGTCCCTCCTGAAGGCTGGAACCGCACCCGCCATGTCATCATCCTCATGACT[G>C]ATGGTCAGAAGGGACCTCTCTCCTGTCCCAGCCTCCCCACCTTCTCAGACCAGCATGTGG-3'
Protein context (NP_001701.2, residues 379-399): RTRHVIILMT[Asp389His]GLHNMGGDPI